The following is an entry in ClinVar:

NM_000393.5(COL5A2):c.722A>G (p.Glu241Gly)

Gene: COL5A2 (collagen type V alpha 2 chain; minus strand). Cytogenetic location: 2q32.2.
Variant type: single nucleotide variant.
Coding change: c.722A>G on transcript NM_000393.5 (MANE Select); coding-DNA position 722, A replaced by G.
Protein change: p.Glu241Gly; replaces glutamic acid 241 with glycine.
Molecular consequence: missense variant.
Genome position (GRCh38, 1-based): chr2:189,085,741, T>C on the plus strand (A>G on the coding strand, the complement: COL5A2 is on the minus strand). VCF-style: chr2-189085741-T-C. GRCh37 (hg19) VCF-style: chr2-189950467-T-C.
Other names: short protein forms E241G.
Identifiers: ClinVar variation 953418 (VCV000953418.10), dbSNP rs773748617, ClinGen allele CA2022979.
Genomic context (GRCh38, chr2:189,085,741, plus strand): 5'-CAAATGTAACTGGGTCTACATGCTTACTTGACATTTACCATTGGTCCAGGATCACCAGGT[T>C]CACCAGGAGGTCCTGTAGGTCCTGCACCACCCTACAGTTGAAAACAAAGTATATATACAA-3'
Protein context (NP_000384.2, residues 231-251): GGAGPTGPPG[Glu241Gly]PGDPGPMGPI

ClinVar aggregate classification (germline): Uncertain significance (1 of 4 stars; one submission).

Conditions:
Ehlers-Danlos syndrome, classic type, 1 (EDSCL1). Also called: Ehlers-Danlos syndrome, type 1; EHLERS-DANLOS SYNDROME, GRAVIS TYPE; EHLERS-DANLOS SYNDROME, SEVERE CLASSIC TYPE; EDS I; Ehlers-Danlos Syndrome, Classic Type, COL5A1-Related. Identifiers: MedGen C0268335, MONDO:0019567, OMIM 130000.

Allele frequency attached by ClinVar (database versions not stated): ExAC 0.00001; gnomAD exomes 0.00001.
gnomAD v4.1: 1 of 1,613,640 alleles (0.000062%); highest among the groups gnomAD compares: Admixed American, 0.0017%; no homozygotes.

Submission:

Labcorp Genetics (formerly Invitae), Labcorp
Classification: Uncertain significance for Ehlers-Danlos syndrome, classic type, 1. Last evaluated: 2019-11-02. Review status: criteria provided, single submitter. Criteria: Invitae Variant Classification Sherloc (09022015). Collection method: clinical testing. Allele origin: germline.
Comment: In summary, the available evidence is currently insufficient to determine the role of this variant in disease. Therefore, it has been classified as a Variant of Uncertain Significance. Algorithms developed to predict the effect of missense changes on protein structure and function (SIFT, PolyPhen-2, Align-GVGD) all suggest that this variant is likely to be disruptive, but these predictions have not been confirmed by published functional studies and their clinical significance is uncertain. This variant has not been reported in the literature in individuals with COL5A2-related conditions. This variant is present in population databases (rs773748617, ExAC 0.009%). This sequence change replaces glutamic acid with glycine at codon 241 of the COL5A2 protein (p.Glu241Gly). The glutamic acid residue is highly conserved and there is a moderate physicochemical difference between glutamic acid and glycine.